The following is an entry in ClinVar:

NM_000493.4(COL10A1):c.1244G>A (p.Gly415Glu)

Genes: COL10A1 (collagen type X alpha 1 chain; minus strand), NT5DC1 (5'-nucleotidase domain containing 1; plus strand). Cytogenetic location: 6q22.1.
Variant type: single nucleotide variant.
Coding change: c.1244G>A on transcript NM_000493.4 (MANE Select); coding-DNA position 1244, G replaced by A.
Protein change: p.Gly415Glu; replaces glycine 415 with glutamic acid.
Molecular consequence: missense variant. On other transcripts: intron variant (1).
Genome position (GRCh38, 1-based): chr6:116,120,872, C>T on the plus strand (G>A on the coding strand, the complement: COL10A1 is on the minus strand). VCF-style: chr6-116120872-C-T. GRCh37 (hg19) VCF-style: chr6-116442035-C-T.
Other names: c.1244G>A, p.Gly415Glu (NM_001424106.1, NM_001424107.1); c.529+2927C>T (NM_152729.3); short protein forms G415E.
Identifiers: ClinVar variation 1036640 (VCV001036640.10), dbSNP rs143728723, ClinGen allele CA3968226.

ClinVar aggregate classification (germline): Uncertain significance. Review status: criteria provided, multiple submitters, no conflicts (2 of 4 stars). 2 submissions from 2 submitters: Uncertain significance (2). Last evaluated 2024-04-20.

Conditions:
Inborn genetic diseases. Identifiers: MedGen C0950123, MeSH D030342.

Allele frequency attached by ClinVar (database versions not stated): ExAC 0.00002; gnomAD exomes 0.00002 and 0.00001; gnomAD 0.00005 and 0.00006; TOPMed 0.00009; ESP Exome Variant Server 0.00023.
gnomAD v4.1: 23 of 1,613,766 alleles (0.0014%); highest among the groups gnomAD compares: African/African-American, 0.027%; no homozygotes.

Submissions (2):

Ambry Genetics
Classification: Uncertain significance for Inborn genetic diseases. Last evaluated: 2024-04-20. Review status: criteria provided, single submitter. Criteria: Ambry Variant Classification Scheme 2023. Collection method: clinical testing. Allele origin: germline.

Labcorp Genetics (formerly Invitae), Labcorp
Classification: Uncertain significance. Last evaluated: 2023-11-19. Review status: criteria provided, single submitter. Criteria: Invitae Variant Classification Sherloc (09022015). Collection method: clinical testing. Allele origin: germline.
Comment: This sequence change replaces glycine, which is neutral and non-polar, with glutamic acid, which is acidic and polar, at codon 415 of the COL10A1 protein (p.Gly415Glu). This variant is present in population databases (rs143728723, gnomAD 0.03%). This variant has not been reported in the literature in individuals affected with COL10A1-related conditions. ClinVar contains an entry for this variant (Variation ID: 1036640). Advanced modeling of protein sequence and biophysical properties (such as structural, functional, and spatial information, amino acid conservation, physicochemical variation, residue mobility, and thermodynamic stability) performed at Invitae indicates that this missense variant is not expected to disrupt COL10A1 protein function with a negative predictive value of 80%. In summary, the available evidence is currently insufficient to determine the role of this variant in disease. Therefore, it has been classified as a Variant of Uncertain Significance.